The following is an entry in ClinVar:

ClinVar aggregate classification (germline): Uncertain significance (1 of 4 stars; one submission).

Submission:

Women's Health and Genetics/Laboratory Corporation of America, LabCorp
Classification: Uncertain significance. Last evaluated: 2026-01-28. Review status: criteria provided, single submitter. Criteria: LabCorp Variant Classification Summary - May 2015. Collection method: clinical testing. Allele origin: germline.
Comment: Variant summary: The variant involves the duplication of exons 14-23 in the KIF1C gene. A presumed nomenclature of c.(1165+1_1166-1)_(*4251_?)dup has been designated for the purposes of this classification. The exact breakpoint at the 3' end of this variant is unknown, therefore this duplication may extend downstream of the annotated region of the gene. As it duplicates the termination codon, its effect on the encoded protein is unknown. The variant was absent in 21694 control chromosomes. The available data on variant occurrences in the general population are insufficient to allow any conclusion about variant significance. To our knowledge, no occurrence of c.(1165+1_1166-1)_(*4251_?)dup in individuals affected with KIF1C-related conditions and no experimental evidence demonstrating its impact on protein function have been reported. No submitters have cited clinical-significance assessments for this variant to ClinVar. Based on the evidence outlined above, the variant was classified as uncertain significance.

NC_000017.10:g.(4908296_4910209)_(4931697_?)dup

Gene: KIF1C (kinesin family member 1C; plus strand). Cytogenetic location: 17p13.2.
Variant type: Duplication.
Identifiers: ClinVar variation 4689204 (VCV004689204.1).